The following is an entry in ClinVar:

NM_000399.5(EGR2):c.217C>A (p.Leu73Ile)

Gene: EGR2 (early growth response 2; minus strand). Cytogenetic location: 10q21.3.
Variant type: single nucleotide variant.
Coding change: c.217C>A on transcript NM_000399.5 (MANE Select); coding-DNA position 217, C replaced by A.
Protein change: p.Leu73Ile; replaces leucine 73 with isoleucine.
Molecular consequence: missense variant.
Genome position (GRCh38, 1-based): chr10:62,814,421, G>T on the plus strand (C>A on the coding strand, the complement: EGR2 is on the minus strand). VCF-style: chr10-62814421-G-T. GRCh37 (hg19) VCF-style: chr10-64574181-G-T.
Other names: c.217C>A, p.Leu73Ile (NM_001136177.3, NM_001136178.2); c.67C>A, p.Leu23Ile (NM_001136179.3, NM_001321037.2); short protein forms L23I, L73I.
Identifiers: ClinVar variation 1383439 (VCV001383439.6), dbSNP rs2132707494, ClinGen allele CA377032274.

ClinVar aggregate classification (germline): Uncertain significance (1 of 4 stars; one submission).

Conditions:
Charcot-Marie-Tooth disease, type I (CMT1). Also called: Charcot-Marie-Tooth, Type 1; Charcot-Marie-Tooth disease type 1. Identifiers: Orphanet 65753, MedGen C0751036, MONDO:0019011.

gnomAD v4.1: 1 of 1,614,162 alleles (0.000062%); highest among the groups gnomAD compares: Non-Finnish European, 0.000085%; no homozygotes.

Submission:

Labcorp Genetics (formerly Invitae), Labcorp
Classification: Uncertain significance for Charcot-Marie-Tooth disease, type I. Last evaluated: 2021-09-26. Review status: criteria provided, single submitter. Criteria: Invitae Variant Classification Sherloc (09022015). Collection method: clinical testing. Allele origin: germline.
Comment: In summary, the available evidence is currently insufficient to determine the role of this variant in disease. Therefore, it has been classified as a Variant of Uncertain Significance. Algorithms developed to predict the effect of missense changes on protein structure and function are either unavailable or do not agree on the potential impact of this missense change (SIFT: "Not Available"; PolyPhen-2: "Possibly Damaging"; Align-GVGD: "Not Available"). This variant has not been reported in the literature in individuals affected with EGR2-related conditions. This variant is not present in population databases (ExAC no frequency). This sequence change replaces leucine with isoleucine at codon 73 of the EGR2 protein (p.Leu73Ile). The leucine residue is moderately conserved and there is a small physicochemical difference between leucine and isoleucine.